The following is an entry in ClinVar:

NM_000051.4(ATM):c.8152-6C>T

Genes: ATM (ATM serine/threonine kinase; plus strand), C11orf65 (chromosome 11 open reading frame 65; minus strand). Cytogenetic location: 11q22.3.
Variant type: single nucleotide variant.
Coding change: c.8152-6C>T on transcript NM_000051.4 (MANE Select); 6 bases into the intron before coding-DNA position 8152, C replaced by T.
Molecular consequence: intron variant.
Genome position (GRCh38, 1-based): chr11:108,335,839, C>T. VCF-style: chr11-108335839-C-T. GRCh37 (hg19) VCF-style: chr11-108206566-C-T.
Other names: c.8152-6C>T (NM_001351834.2); c.641-26768G>A (NM_001330368.2); c.695-547G>A (NM_001351110.2).
Identifiers: ClinVar variation 414575 (VCV000414575.19), dbSNP rs200389039, ClinGen allele CA6266311.
Genomic context (GRCh38, chr11:108,335,839, plus strand): 5'-AGATGACTCTGTGTTTTTATAATAAAATAAACTGTACTTGTTTATTCATGCTTAATTATT[C>T]TGAAGGGCCGTGATGACCTGAGACAAGATGCTGTCATGCAACAGGTCTTCCAGATGTGTA-3'

ClinVar aggregate classification (germline): Likely benign. Review status: criteria provided, multiple submitters, no conflicts (2 of 4 stars). 5 submissions from 5 submitters: Likely benign (5). Last evaluated 2025-11-10.

Conditions:
Hereditary cancer-predisposing syndrome. Also called: Neoplastic Syndromes, Hereditary; Hereditary Cancer Syndrome; Tumor predisposition; Hereditary neoplastic syndrome. Identifiers: Orphanet 140162, MedGen C0027672, MeSH D009386, MONDO:0015356.
Familial cancer of breast. Also called: Hereditary breast cancer; BREAST CANCER, FAMILIAL; hereditary breast carcinoma. Identifiers: Orphanet 227535, MedGen C0346153, MONDO:0016419, OMIM 114480. Disease mechanism: loss of function.
Ataxia-telangiectasia syndrome (AT). Also called: LOUIS-BAR SYNDROME; Cerebello-oculocutaneous telangiectasia; Immunodeficiency with ataxia telangiectasia; Ataxia-telangiectasia, complementation group D; AT, COMPLEMENTATION GROUP C; Ataxia-telangiectasia, complementation group E. Identifiers: Orphanet 100, MedGen C0004135, MONDO:0008840, OMIM 208900.

Allele frequency attached by ClinVar (database versions not stated): ExAC 0.00002; gnomAD exomes 0.00001; gnomAD 0.00003.
gnomAD v4.1: 9 of 1,608,010 alleles (0.00056%); highest among the groups gnomAD compares: Non-Finnish European, 0.00077%; no homozygotes.

Submissions (5):

Labcorp Genetics (formerly Invitae), Labcorp
Classification: Likely benign for Ataxia-telangiectasia syndrome. Last evaluated: 2025-11-10. Review status: criteria provided, single submitter. Criteria: Invitae Variant Classification Sherloc (09022015). Collection method: clinical testing. Allele origin: germline.

Women's Health and Genetics/Laboratory Corporation of America, LabCorp
Classification: Likely benign. Last evaluated: 2025-04-16. Review status: criteria provided, single submitter. Criteria: LabCorp Variant Classification Summary - May 2015. Collection method: clinical testing. Allele origin: germline.
Comment: Variant summary: ATM c.8152-6C>T alters a nucleotide located at a position not widely known to affect splicing. Consensus agreement among computation tools predict no significant impact on normal splicing. However, these predictions have yet to be confirmed by functional studies. The variant allele was found at a frequency of 8e-06 in 250646 control chromosomes. The available data on variant occurrences in the general population are insufficient to allow any conclusion about variant significance. To our knowledge, no occurrence of c.8152-6C>T in individuals affected with Ataxia-Telangiectasia and no experimental evidence demonstrating its impact on protein function have been reported. ClinVar contains an entry for this variant (Variation ID: 414575). Based on the evidence outlined above, the variant was classified as likely benign.

Myriad Genetics, Inc.
Classification: Likely benign for Familial cancer of breast. Last evaluated: 2024-06-18. Review status: criteria provided, single submitter. Criteria: Myriad Autosomal Dominant, Autosomal Recessive and X-Linked Classification Criteria (2023). Collection method: clinical testing. Allele origin: unknown.
Comment: This variant is considered likely benign. This variant is intronic and is not expected to impact mRNA splicing.

GeneDx
Classification: Likely benign. Last evaluated: 2020-10-14. Review status: criteria provided, single submitter. Criteria: GeneDx Variant Classification Process June 2021. Collection method: clinical testing. Allele origin: germline. Affected: yes.

Color Diagnostics, LLC DBA Color Health
Classification: Likely benign for Hereditary cancer-predisposing syndrome. Last evaluated: 2017-10-20. Review status: criteria provided, single submitter. Criteria: ACMG Guidelines, 2015. Collection method: clinical testing. Allele origin: germline.